The following is an entry in ClinVar:

ClinVar aggregate classification (germline): Conflicting classifications of pathogenicity. Review status: criteria provided, conflicting classifications (1 of 4 stars). 3 submissions from 3 submitters: Likely pathogenic (2); Uncertain significance (1). Last evaluated 2023-12-06.

Conditions:
Granulomatous disease, chronic, autosomal recessive, cytochrome b-positive, type 2. Also called: GRANULOMATOUS DISEASE, CHRONIC, DUE TO NCF2 DEFICIENCY; CGD, AUTOSOMAL RECESSIVE CYTOCHROME b-POSITIVE, TYPE II; GRANULOMATOUS DISEASE, CHRONIC, AUTOSOMAL RECESSIVE, 2; Chronic granulomatous disease due to deficiency of NCF-2; Chronic Granulomatous Disease, Autosomal Recessive, Cytochrome b-Positive, Type II. Identifiers: Orphanet 379, MedGen C1856245, MONDO:0009310, OMIM 233710.
Chronic granulomatous disease. Identifiers: Orphanet 379, MedGen C0018203, MONDO:0018305.

Allele frequency attached by ClinVar (database versions not stated): gnomAD exomes below 0.00001; TOPMed below 0.00001; gnomAD 0.00001.
gnomAD v4.1: 3 of 1,610,046 alleles (0.00019%); highest among the groups gnomAD compares: Non-Finnish European, 0.00026%; no homozygotes.

Submissions (3):

Labcorp Genetics (formerly Invitae), Labcorp
Classification: Uncertain significance for Granulomatous disease, chronic, autosomal recessive, cytochrome b-positive, type 2. Last evaluated: 2023-12-06. Review status: criteria provided, single submitter. Criteria: Invitae Variant Classification Sherloc (09022015). Collection method: clinical testing. Allele origin: germline.
Comment: This sequence change affects codon 342 of the NCF2 mRNA. It is a 'silent' change, meaning that it does not change the encoded amino acid sequence of the NCF2 protein. This variant also falls at the last nucleotide of exon 11, which is part of the consensus splice site for this exon. This variant is present in population databases (no rsID available, gnomAD 0.007%). This variant has been observed in individual(s) with chronic granulomatous disease (PMID: 19624736, 21190454). ClinVar contains an entry for this variant (Variation ID: 1461749). Variants that disrupt the consensus splice site are a relatively common cause of aberrant splicing (PMID: 17576681, 9536098). Algorithms developed to predict the effect of sequence changes on RNA splicing suggest that this variant may disrupt the consensus splice site. In summary, the available evidence is currently insufficient to determine the role of this variant in disease. Therefore, it has been classified as a Variant of Uncertain Significance.

Mayo Clinic Laboratories, Mayo Clinic
Classification: Likely pathogenic. Last evaluated: 2023-09-14. Review status: criteria provided, single submitter. Criteria: ACMG Guidelines, 2015. Collection method: clinical testing. Allele origin: germline. Observed: 1 variant allele.
Comment: PP3, PP4, PM3, PS3_supporting, PS4_moderate

Women's Health and Genetics/Laboratory Corporation of America, LabCorp
Classification: Likely pathogenic for Chronic granulomatous disease. Last evaluated: 2023-03-09. Review status: criteria provided, single submitter. Criteria: LabCorp Variant Classification Summary - May 2015. Collection method: clinical testing. Allele origin: germline.
Comment: Variant summary: NCF2 c.1026G>A (p.Lys342Lys) alters a non-conserved nucleotide located close to a canonical splice site and therefore could affect mRNA splicing, leading to a significantly altered protein sequence. Several computational tools predict a significant impact on normal splicing: three predict the variant abolishes a 5' splicing donor site. The variant was absent in 251416 control chromosomes (gnomAD v2.1, exomes dataset). c.1026G>A has been reported in the literature in two compound heterozygous individuals affected with Chronic Granulomatous Disease (Khan_2002, Koker_2009 and Kuhns_2010). These data indicate that the variant may be associated with disease. At least one of these publications reported an almost undetectable protein level, and a severely reduced reactive oxygen intermediate (ROI) production in a patient derived sample (Kuhns_2010). One clinical diagnostic laboratory has submitted clinical-significance assessments for this variant to ClinVar after 2014, and classified the variant as uncertain significance. Based on the evidence outlined above, the variant was classified as likely pathogenic.

Literature cited by the submitters: PubMed 19624736 (cited by 3 submitters); PubMed 21190454 (cited by 3 submitters); PubMed 17576681 (cited by Labcorp Genetics (formerly Invitae), Labcorp); PubMed 9536098 (cited by Labcorp Genetics (formerly Invitae), Labcorp); PubMed 34547651 (cited by Women's Health and Genetics/Laboratory Corporation of America, LabCorp).

NM_000433.4(NCF2):c.1026G>A (p.Lys342=)

Gene: NCF2 (neutrophil cytosolic factor 2; minus strand). Cytogenetic location: 1q25.3.
Variant type: single nucleotide variant.
Coding change: c.1026G>A on transcript NM_000433.4 (MANE Select); coding-DNA position 1026, G replaced by A.
Protein change: p.Lys342=; no amino-acid change (lysine 342 retained).
Molecular consequence: synonymous variant.
Genome position (GRCh38, 1-based): chr1:183,564,005, C>T on the plus strand (G>A on the coding strand, the complement: NCF2 is on the minus strand). VCF-style: chr1-183564005-C-T. GRCh37 (hg19) VCF-style: chr1-183533140-C-T.
Other names: p.Lys342=; c.1026G>A, p.Lys342= (NM_001127651.3); c.783G>A, p.Lys261= (NM_001190789.2); c.891G>A, p.Lys297= (NM_001190794.2); c.1026G>A (NM_000433.3).
Identifiers: ClinVar variation 1461749 (VCV001461749.10), dbSNP rs1459123494, ClinGen allele CA422295497.